The following is an entry in ClinVar:

NM_003392.7(WNT5A):c.622A>G (p.Lys208Glu)

Gene: WNT5A (Wnt family member 5A; minus strand). Cytogenetic location: 3p14.3.
Variant type: single nucleotide variant.
Coding change: c.622A>G on transcript NM_003392.7 (MANE Select); coding-DNA position 622, A replaced by G.
Protein change: p.Lys208Glu; replaces lysine 208 with glutamic acid.
Molecular consequence: missense variant.
Genome position (GRCh38, 1-based): chr3:55,474,399, T>C on the plus strand (A>G on the coding strand, the complement: WNT5A is on the minus strand). VCF-style: chr3-55474399-T-C. GRCh37 (hg19) VCF-style: chr3-55508427-T-C.
Other names: c.577A>G, p.Lys193Glu (NM_001256105.1, NM_001377271.1, NM_001377272.1); c.622A>G (NM_003392.3); short protein forms K193E, K208E.
Identifiers: ClinVar variation 1501519 (VCV001501519.8), dbSNP rs777155530, ClinGen allele CA2459015.

ClinVar aggregate classification (germline): Uncertain significance. Review status: criteria provided, multiple submitters, no conflicts (2 of 4 stars). 3 submissions from 3 submitters: Uncertain significance (3). Last evaluated 2025-05-16.

Conditions:
Inborn genetic diseases. Identifiers: MedGen C0950123, MeSH D030342.

Allele frequency attached by ClinVar (database versions not stated): gnomAD exomes below 0.00001 and 0.00001; ExAC 0.00001; gnomAD 0.00001; TOPMed 0.00001.
gnomAD v4.1: 8 of 1,612,502 alleles (0.0005%); highest among the groups gnomAD compares: Non-Finnish European, 0.00059%; no homozygotes.

Submissions (3):

Women's Health and Genetics/Laboratory Corporation of America, LabCorp
Classification: Uncertain significance. Last evaluated: 2025-05-16. Review status: criteria provided, single submitter. Criteria: LabCorp Variant Classification Summary - May 2015. Collection method: clinical testing. Allele origin: germline.
Comment: Variant summary: WNT5A c.622A>G (p.Lys208Glu) results in a conservative amino acid change in the encoded protein sequence. Algorithms developed to predict the effect of missense changes on protein structure and function are either unavailable or do not agree on the potential impact of this missense change. The variant allele was found at a frequency of 1.2e-05 in 243808 control chromosomes. The available data on variant occurrences in the general population are insufficient to allow any conclusion about variant significance. To our knowledge, no occurrence of c.622A>G in individuals affected with Autosomal Dominant Robinow Syndrome 1 and no experimental evidence demonstrating its impact on protein function have been reported. ClinVar contains an entry for this variant (Variation ID: 1501519). Based on the evidence outlined above, the variant was classified as uncertain significance.

Labcorp Genetics (formerly Invitae), Labcorp
Classification: Uncertain significance. Last evaluated: 2024-07-13. Review status: criteria provided, single submitter. Criteria: Invitae Variant Classification Sherloc (09022015). Collection method: clinical testing. Allele origin: germline.
Comment: This sequence change replaces lysine, which is basic and polar, with glutamic acid, which is acidic and polar, at codon 208 of the WNT5A protein (p.Lys208Glu). This variant is present in population databases (rs777155530, gnomAD 0.003%). This variant has not been reported in the literature in individuals affected with WNT5A-related conditions. ClinVar contains an entry for this variant (Variation ID: 1501519). An algorithm developed to predict the effect of missense changes on protein structure and function (PolyPhen-2) suggests that this variant is likely to be tolerated. In summary, the available evidence is currently insufficient to determine the role of this variant in disease. Therefore, it has been classified as a Variant of Uncertain Significance.

Ambry Genetics
Classification: Uncertain significance for Inborn genetic diseases. Last evaluated: 2022-01-10. Review status: criteria provided, single submitter. Criteria: Ambry Variant Classification Scheme 2023. Collection method: clinical testing. Allele origin: germline.